The following is an entry in ClinVar:

ClinVar aggregate classification (germline): Uncertain significance (1 of 4 stars; one submission).

Conditions:
Familial melanoma. Also called: Hereditary melanoma; Hereditary cutaneous melanoma. Identifiers: Orphanet 618, MedGen C1512419, MONDO:0018961.

Allele frequency attached by ClinVar (database versions not stated): gnomAD exomes 0.00001; ExAC 0.00002.
gnomAD v4.1: 5 of 1,614,206 alleles (0.00031%); highest among the groups gnomAD compares: Non-Finnish European, 0.00034%; no homozygotes.

Submission:

Labcorp Genetics (formerly Invitae), Labcorp
Classification: Uncertain significance for Familial melanoma. Last evaluated: 2025-06-10. Review status: criteria provided, single submitter. Criteria: Invitae Variant Classification Sherloc (09022015). Collection method: clinical testing. Allele origin: germline.
Comment: This sequence change replaces valine, which is neutral and non-polar, with leucine, which is neutral and non-polar, at codon 54 of the CDK4 protein (p.Val54Leu). This variant is present in population databases (rs775085950, gnomAD 0.002%). This variant has not been reported in the literature in individuals affected with CDK4-related conditions. ClinVar contains an entry for this variant (Variation ID: 2114053). An algorithm developed to predict the effect of missense changes on protein structure and function (PolyPhen-2) suggests that this variant is likely to be tolerated. In summary, the available evidence is currently insufficient to determine the role of this variant in disease. Therefore, it has been classified as a Variant of Uncertain Significance.

NM_000075.4(CDK4):c.160G>C (p.Val54Leu)

Genes: CDK4 (cyclin dependent kinase 4; minus strand), LOC130008148 (ATAC-STARR-seq lymphoblastoid silent region 4588; plus strand). Cytogenetic location: 12q14.1.
Variant type: single nucleotide variant.
Coding change: c.160G>C on transcript NM_000075.4 (MANE Select); coding-DNA position 160, G replaced by C.
Protein change: p.Val54Leu; replaces valine 54 with leucine.
Molecular consequence: missense variant.
Genome position (GRCh38, 1-based): chr12:57,751,558, C>G on the plus strand (G>C on the coding strand, the complement: CDK4 is on the minus strand). VCF-style: chr12-57751558-C-G. GRCh37 (hg19) VCF-style: chr12-58145341-C-G.
Other names: short protein forms V54L.
Identifiers: ClinVar variation 2114053 (VCV002114053.4), dbSNP rs775085950, ClinGen allele CA6657879.